The following is an entry in ClinVar:

ClinVar aggregate classification (germline): Uncertain significance (1 of 4 stars; one submission).

Allele frequency attached by ClinVar (database versions not stated): gnomAD exomes below 0.00001.
gnomAD v4.1: 1 of 1,614,162 alleles (0.000062%); highest among the groups gnomAD compares: Non-Finnish European, 0.000085%; no homozygotes.

Submission:

GeneDx
Classification: Uncertain significance. Last evaluated: 2022-08-30. Review status: criteria provided, single submitter. Criteria: GeneDx Variant Classification Process June 2021. Collection method: clinical testing. Allele origin: germline. Affected: yes.
Comment: Not observed at significant frequency in large population cohorts (gnomAD); In silico analysis supports that this missense variant has a deleterious effect on protein structure/function; Has not been previously published as pathogenic or benign to our knowledge

NM_000875.5(IGF1R):c.3488C>T (p.Thr1163Ile)

Gene: IGF1R (insulin like growth factor 1 receptor; plus strand). Cytogenetic location: 15q26.3.
Variant type: single nucleotide variant.
Coding change: c.3488C>T on transcript NM_000875.5 (MANE Select); coding-DNA position 3488, C replaced by T.
Protein change: p.Thr1163Ile; replaces threonine 1163 with isoleucine.
Molecular consequence: missense variant.
Genome position (GRCh38, 1-based): chr15:98,942,953, C>T. VCF-style: chr15-98942953-C-T. GRCh37 (hg19) VCF-style: chr15-99486182-C-T.
Other names: c.3485C>T, p.Thr1162Ile (NM_001291858.2); short protein forms T1162I, T1163I.
Identifiers: ClinVar variation 2444669 (VCV002444669.1), dbSNP rs2151719027, ClinGen allele CA393661449.